The following is an entry in ClinVar:

NM_005245.4(FAT1):c.8468C>T (p.Pro2823Leu)

Genes: FAT1 (FAT atypical cadherin 1; minus strand), LOC126807255 (BRD4-independent group 4 enhancer GRCh37_chr4:187538202-187539401; plus strand). Cytogenetic location: 4q35.2.
Variant type: single nucleotide variant.
Coding change: c.8468C>T on transcript NM_005245.4 (MANE Select); coding-DNA position 8468, C replaced by T.
Protein change: p.Pro2823Leu; replaces proline 2823 with leucine.
Molecular consequence: missense variant.
Genome position (GRCh38, 1-based): chr4:186,618,118, G>A on the plus strand (C>T on the coding strand, the complement: FAT1 is on the minus strand). VCF-style: chr4-186618118-G-A. GRCh37 (hg19) VCF-style: chr4-187539272-G-A.
Other names: short protein forms P2823L.
Identifiers: ClinVar variation 2408893 (VCV002408893.6), dbSNP rs964168780, ClinGen allele CA112154720.

ClinVar aggregate classification (germline): Uncertain significance. Review status: criteria provided, multiple submitters, no conflicts (2 of 4 stars). 3 submissions from 3 submitters: Uncertain significance (3). Last evaluated 2025-07-30.

Conditions:
Inborn genetic diseases. Identifiers: MedGen C0950123, MeSH D030342.

Allele frequency attached by ClinVar (database versions not stated): gnomAD exomes below 0.00001; TOPMed 0.00008.
gnomAD v4.1: 5 of 1,613,822 alleles (0.00031%); highest among the groups gnomAD compares: Admixed American, 0.0033%; no homozygotes.

Submissions (3):

Labcorp Genetics (formerly Invitae), Labcorp
Classification: Uncertain significance. Last evaluated: 2025-07-30. Review status: criteria provided, single submitter. Criteria: Invitae Variant Classification Sherloc (09022015). Collection method: clinical testing. Allele origin: germline.
Comment: This sequence change replaces proline, which is neutral and non-polar, with leucine, which is neutral and non-polar, at codon 2823 of the FAT1 protein (p.Pro2823Leu). This variant is present in population databases (no rsID available, gnomAD no frequency). This variant has not been reported in the literature in individuals affected with FAT1-related conditions. ClinVar contains an entry for this variant (Variation ID: 2408893). Invitae Evidence Modeling of protein sequence and biophysical properties (such as structural, functional, and spatial information, amino acid conservation, physicochemical variation, residue mobility, and thermodynamic stability) indicates that this missense variant is not expected to disrupt FAT1 protein function with a negative predictive value of 80%. In summary, the available evidence is currently insufficient to determine the role of this variant in disease. Therefore, it has been classified as a Variant of Uncertain Significance.

Ambry Genetics
Classification: Uncertain significance for Inborn genetic diseases. Last evaluated: 2024-08-19. Review status: criteria provided, single submitter. Criteria: Ambry Variant Classification Scheme 2023. Collection method: clinical testing. Allele origin: germline.

GeneDx
Classification: Uncertain significance. Last evaluated: 2023-01-26. Review status: criteria provided, single submitter. Criteria: GeneDx Variant Classification Process June 2021. Collection method: clinical testing. Allele origin: germline. Affected: yes.
Comment: Not observed at significant frequency in large population cohorts (gnomAD); In silico analysis supports that this missense variant has a deleterious effect on protein structure/function; Has not been previously published as pathogenic or benign to our knowledge